The following is an entry in ClinVar:

NM_001267550.2(TTN):c.9983T>C (p.Val3328Ala)

Gene: TTN (titin; minus strand). Cytogenetic location: 2q31.2.
Variant type: single nucleotide variant.
Coding change: c.9983T>C on transcript NM_001267550.2 (MANE Select); coding-DNA position 9983, T replaced by C.
Protein change: p.Val3328Ala; replaces valine 3328 with alanine.
Molecular consequence: missense variant.
Genome position (GRCh38, 1-based): chr2:178,764,532, A>G on the plus strand (T>C on the coding strand, the complement: TTN is on the minus strand). VCF-style: chr2-178764532-A-G. GRCh37 (hg19) VCF-style: chr2-179629259-A-G.
Other names: p.Val3328Ala; c.9983T>C, p.Val3328Ala (NM_001256850.1, NM_133378.4, NM_133379.5); c.9845T>C, p.Val3282Ala (NM_003319.4, NM_133432.3, NM_133437.4); short protein forms V3328A, V3282A.
Identifiers: ClinVar variation 404682 (VCV000404682.4), dbSNP rs1060500412, ClinGen allele CA16610628.
Genomic context (GRCh38, chr2:178,764,532, plus strand): 5'-CAAAAGCCTGCTTCTTAGGTTTTATTTTCAGCTGGAAGTAGCGAGGCATTCCTACCTTCC[A>G]CTGAGAGTGAAGCTGATGTTGTGGCAACACCATAGTCATTCTTGGCTTCACAGGTATAGA-3'
Protein context (NP_001254479.2, residues 3318-3338): GVATTSASLS[Val3328Ala]EVPEVVSPDQ

ClinVar aggregate classification (germline): Uncertain significance. Review status: criteria provided, multiple submitters, no conflicts (2 of 4 stars). 2 submissions from 2 submitters: Uncertain significance (2). Last evaluated 2025-09-12.

Conditions:
Dilated cardiomyopathy 1G (CMD1G). Identifiers: Orphanet 154, MedGen C1858763, MONDO:0011400, OMIM 604145.
Autosomal recessive limb-girdle muscular dystrophy type 2J (LGMDR10). Also called: Limb-girdle muscular dystrophy, type 2J; MUSCULAR DYSTROPHY, LIMB-GIRDLE, AUTOSOMAL RECESSIVE 10. Identifiers: Orphanet 140922, MedGen C1837342, MONDO:0012127, OMIM 608807.

Allele frequency attached by ClinVar (database versions not stated): gnomAD 0.00001; gnomAD exomes 0.00001 and 0.00002; TOPMed 0.00001.
gnomAD v4.1: 25 of 1,613,948 alleles (0.0015%); highest among the groups gnomAD compares: Non-Finnish European, 0.002%; no homozygotes.

Submissions (2):

Mayo Clinic Laboratories, Mayo Clinic
Classification: Uncertain significance. Last evaluated: 2025-09-12. Review status: criteria provided, single submitter. Criteria: ACMG Guidelines, 2015. Collection method: clinical testing. Allele origin: germline. Observed: 1 variant allele.
Comment: PP3_moderate, PM2_supporting

Labcorp Genetics (formerly Invitae), Labcorp
Classification: Uncertain significance for Dilated cardiomyopathy 1G; Autosomal recessive limb-girdle muscular dystrophy type 2J. Last evaluated: 2016-10-26. Review status: criteria provided, single submitter. Criteria: Invitae Variant Classification Sherloc (09022015). Collection method: clinical testing. Allele origin: germline.